The following is an entry in ClinVar:

ClinVar aggregate classification (germline): Pathogenic. Review status: criteria provided, single submitter (1 of 4 stars). 2 submissions from 2 submitters: Pathogenic (1). 1 of the submissions does not count toward it. Last evaluated 2022-01-03.

Conditions:
Cerebral cavernous malformation 3. Also called: Familial Cerebral Cavernous Malformation 3. Identifiers: Orphanet 221061, MedGen C1864040, MONDO:0011305, OMIM 603285.

Submissions (2):

3billion
Classification: Pathogenic for Cerebral cavernous malformation 3. Last evaluated: 2022-01-03. Review status: criteria provided, single submitter. Criteria: ACMG Guidelines, 2015. Collection method: clinical testing. Allele origin: germline. Affected: yes. Observed: 1 heterozygote.
Comment: The variant has been reported to be associated with PDCD10 related disorder (ClinVar ID: VCV000001869). Canonical splice site: predicted to alter splicing and result in a loss or disruption of normal protein function through protein truncation. Multiple pathogenic variants are reported in the predicted truncated region (PVS1_VS). It is not observed in the gnomAD v2.1.1 dataset (PM2_M).Therefore, this variant is classified as pathogenic according to the recommendation of ACMG/AMP guideline.

OMIM
Classification: Pathogenic for CEREBRAL CAVERNOUS MALFORMATIONS 3. Last evaluated: 2005-01-01. Review status: no assertion criteria provided. Collection method: literature only. Allele origin: germline. Not counted in ClinVar's aggregate classification.

Literature cited by the submitters: PubMed 15543491 (cited by OMIM).

NM_007217.4(PDCD10):c.475-1G>A

Gene: PDCD10 (programmed cell death 10; minus strand). Cytogenetic location: 3q26.1.
Variant type: single nucleotide variant.
Coding change: c.475-1G>A on transcript NM_007217.4 (MANE Select); the canonical splice acceptor site of the intron before coding-DNA position 475, G replaced by A.
Molecular consequence: splice acceptor variant.
Genome position (GRCh38, 1-based): chr3:167,687,317, C>T on the plus strand (G>A on the coding strand, the complement: PDCD10 is on the minus strand). VCF-style: chr3-167687317-C-T. GRCh37 (hg19) VCF-style: chr3-167405105-C-T.
Other names: IVS8AS, G-A, -1; c.475-1G>A (NM_145860.2, NM_145859.2).
Identifiers: ClinVar variation 1869 (VCV000001869.3), dbSNP rs1577317859, ClinGen allele CA355154181.